The following is an entry in ClinVar:

ClinVar aggregate classification (germline): Uncertain significance (1 of 4 stars; one submission).

Conditions:
Arrhythmogenic cardiomyopathy with wooly hair and keratoderma. Also called: PALMOPLANTAR KERATODERMA WITH LEFT VENTRICULAR CARDIOMYOPATHY AND WOOLLY HAIR; Carvajal syndrome; Dilated cardiomyopathy with woolly hair and keratoderma; Arrhythmogenic cardiomyopathy with woolly hair and keratoderma. Identifiers: Orphanet 65282, MedGen C1854063, MONDO:0011581, OMIM 605676.
Arrhythmogenic right ventricular dysplasia 8 (ARVD8). Also called: Arrhythmogenic Right Ventricular Dysplasia/Cardiomyopathy 8; ARRHYTHMOGENIC RIGHT VENTRICULAR DYSPLASIA, FAMILIAL, 8; ARRHYTHMOGENIC RIGHT VENTRICULAR CARDIOMYOPATHY 8. Identifiers: MedGen C1843896, MONDO:0011831, OMIM 607450.

gnomAD v4.1: 1 of 1,614,192 alleles (0.000062%); highest among the groups gnomAD compares: Non-Finnish European, 0.000085%; no homozygotes.

Submission:

Labcorp Genetics (formerly Invitae), Labcorp
Classification: Uncertain significance for Arrhythmogenic cardiomyopathy with wooly hair and keratoderma; Arrhythmogenic right ventricular dysplasia 8. Last evaluated: 2025-09-16. Review status: criteria provided, single submitter. Criteria: Invitae Variant Classification Sherloc (09022015). Collection method: clinical testing. Allele origin: germline.
Comment: This sequence change replaces aspartic acid, which is acidic and polar, with glutamic acid, which is acidic and polar, at codon 116 of the DSP protein (p.Asp116Glu). This variant is not present in population databases (gnomAD no frequency). This variant has not been reported in the literature in individuals affected with DSP-related conditions. An algorithm developed to predict the effect of missense changes on protein structure and function outputs the following: PolyPhen-2: "Benign". The glutamic acid amino acid residue is found in multiple mammalian species, which suggests that this missense change does not adversely affect protein function. In summary, the available evidence is currently insufficient to determine the role of this variant in disease. Therefore, it has been classified as a Variant of Uncertain Significance.

NM_004415.4(DSP):c.348C>A (p.Asp116Glu)

Gene: DSP (desmoplakin; plus strand). Cytogenetic location: 6p24.3.
Variant type: single nucleotide variant.
Coding change: c.348C>A on transcript NM_004415.4 (MANE Select); coding-DNA position 348, C replaced by A.
Protein change: p.Asp116Glu; replaces aspartic acid 116 with glutamic acid.
Molecular consequence: missense variant.
Genome position (GRCh38, 1-based): chr6:7,558,190, C>A. VCF-style: chr6-7558190-C-A. GRCh37 (hg19) VCF-style: chr6-7558423-C-A.
Other names: c.348C>A, p.Asp116Glu (NM_001008844.3, NM_001319034.2, NM_001406591.1); short protein forms D116E.
Identifiers: ClinVar variation 4791666 (VCV004791666.1).
Genomic context (GRCh38, chr6:7,558,190, plus strand): 5'-AGATGGAATACAACTGACTCGGAGTCGAGAATTGGATGAGTGTTTTGCCCAGGCCAATGA[C>A]CAAATGGAAATCCTCGACAGCTTGATCAGAGAGATGCGGCAGATGGGCCAGCCCTGTGAT-3'
Protein context (NP_004406.2, residues 106-126): ELDECFAQAN[Asp116Glu]QMEILDSLIR